The following is an entry in ClinVar:

ClinVar aggregate classification (germline): Uncertain significance (0 of 4 stars; one submission).

Allele frequency attached by ClinVar (database versions not stated): gnomAD 0.00001; gnomAD exomes 0.00001.
gnomAD v4.1: 17 of 1,614,056 alleles (0.0011%); highest among the groups gnomAD compares: Middle Eastern, 0.016%; no homozygotes.

Submission:

Department of Pathology and Laboratory Medicine, Sinai Health System
Classification: Uncertain significance. Review status: no assertion criteria provided. Collection method: clinical testing. Allele origin: unknown. Affected: yes. Study: The Canadian Open Genetics Repository (COGR).
Comment: The TNRC6A p.Gln394Gln variant was not identified in the literature nor was it identified in dbSNP, ClinVar, Cosmic, LOVD 3.0 or in the following control databases: the 1000 Genomes Project, the NHLBI GO Exome Sequencing Project, the Exome Aggregation Consortium (August 8th 2016), or the Genome Aggregation Database (Feb 27, 2017). The p.Gln394Gln variant is not expected to have clinical significance because it does not result in a change of amino acid and is not located in a known consensus splice site. The variant occurs outside of the splicing consensus sequence and two of four in silico or computational prediction software programs (SpliceSiteFinder, MaxEntScan) predict a greater than 10% difference in splicing; both programs predict a loss of a 3â€šÃ„Ã´ splice site at c.1182 and a creation of a new 3â€šÃ„Ã´ splice site at c.1187, however this is not very predictive of pathogenicity. In summary, based on the above information the clinical significance of this variant cannot be determined with certainty at this time. This variant is classified as a variant of uncertain significance.

NM_014494.4(TNRC6A):c.1182G>A (p.Gln394=)

Gene: TNRC6A (trinucleotide repeat containing adaptor 6A; plus strand). Cytogenetic location: 16p12.1.
Variant type: single nucleotide variant.
Coding change: c.1182G>A on transcript NM_014494.4 (MANE Select); coding-DNA position 1182, G replaced by A.
Protein change: p.Gln394=; no amino-acid change (glutamine 394 retained).
Molecular consequence: synonymous variant.
Genome position (GRCh38, 1-based): chr16:24,789,824, G>A. VCF-style: chr16-24789824-G-A. GRCh37 (hg19) VCF-style: chr16-24801145-G-A.
Other names: c.1182G>A, p.Gln394= (NM_001330520.3); c.1209G>A, p.Gln403= (NM_001351850.2).
Identifiers: ClinVar variation 1048916 (VCV001048916.1), dbSNP rs2058058860, ClinGen allele CA494466059.